The following is an entry in ClinVar:

ClinVar aggregate classification (germline): Uncertain significance (1 of 4 stars; one submission).

Submission:

GeneDx
Classification: Uncertain significance. Last evaluated: 2024-12-03. Review status: criteria provided, single submitter. Criteria: GeneDx Variant Classification Process June 2021. Collection method: clinical testing. Allele origin: germline. Affected: yes.
Comment: Not observed at significant frequency in large population cohorts (gnomAD); Missense variant in a gene in which most reported pathogenic variants are truncating/loss of function; Has not been previously published as pathogenic or benign to our knowledge

NM_001267550.2(TTN):c.51211C>A (p.Pro17071Thr)

Genes: TTN (titin; minus strand), TTN-AS1 (TTN antisense RNA 1; plus strand). Cytogenetic location: 2q31.2.
Variant type: single nucleotide variant.
Coding change: c.51211C>A on transcript NM_001267550.2 (MANE Select); coding-DNA position 51211, C replaced by A.
Protein change: p.Pro17071Thr; replaces proline 17071 with threonine.
Molecular consequence: missense variant.
Genome position (GRCh38, 1-based): chr2:178,610,315, G>T on the plus strand (C>A on the coding strand, the complement: TTN is on the minus strand). VCF-style: chr2-178610315-G-T. GRCh37 (hg19) VCF-style: chr2-179475042-G-T.
Other names: c.46288C>A, p.Pro15430Thr (NM_001256850.1); c.24016C>A, p.Pro8006Thr (NM_003319.4); c.43507C>A, p.Pro14503Thr (NM_133378.4); c.24391C>A, p.Pro8131Thr (NM_133432.3); c.24592C>A, p.Pro8198Thr (NM_133437.4); short protein forms P14503T, P15430T, P17071T, P8006T, P8131T, P8198T.
Identifiers: ClinVar variation 3901655 (VCV003901655.1).